The following is an entry in ClinVar:

NM_007255.3(B4GALT7):c.90del (p.Val31fs)

Gene: B4GALT7 (beta-1,4-galactosyltransferase 7; plus strand). Cytogenetic location: 5q35.3.
Variant type: Deletion.
Coding change: c.90del on transcript NM_007255.3 (MANE Select); coding-DNA position 90, one base deleted (C; older notation c.90delC).
Protein change: p.Val31fs; shifts the reading frame from valine 31.
Molecular consequence: frameshift variant.
Genome position (GRCh38, 1-based): chr5:177,604,218, C deleted; the last of 2 consecutive C bases (chr5:177,604,217-177,604,218); deleting either gives the same sequence. VCF-style (leftmost placement, unchanged base first): chr5-177604216-TC-T. GRCh37 (hg19) VCF-style: chr5-177031217-TC-T.
Other names: c.90delC (NM_007255.3); short protein forms V31fs.
Identifiers: ClinVar variation 4847121 (VCV004847121.1).

ClinVar aggregate classification (germline): Pathogenic (1 of 4 stars; one submission).

Conditions:
Spondylodysplastic Ehlers-Danlos syndrome. Identifiers: Orphanet 536471, Orphanet 75496, MedGen C5680154, MONDO:0007526.

Submission:

Women's Health and Genetics/Laboratory Corporation of America, LabCorp
Classification: Pathogenic for Spondylodysplastic Ehlers-Danlos syndrome. Last evaluated: 2026-03-18. Review status: criteria provided, single submitter. Criteria: LabCorp Variant Classification Summary - May 2015. Collection method: clinical testing. Allele origin: germline.
Comment: Variant summary: B4GALT7 c.90delC (p.Val31SerfsX89) results in a premature termination codon, predicted to cause a truncation of the encoded protein or absence of the protein due to nonsense mediated decay, which are commonly known mechanisms for disease. The variant was absent in 248634 control chromosomes. To our knowledge, no occurrence of c.90delC in individuals affected with B4GALT7-related conditions and no experimental evidence demonstrating its impact on protein function have been reported. No submitters have cited clinical-significance assessments for this variant to ClinVar. Based on the evidence outlined above, the variant was classified as pathogenic.